The following is an entry in ClinVar:

NM_022725.4(FANCF):c.407_415dup (p.Arg138_Arg139insLeuAlaArg)

Gene: FANCF (FA complementation group F; minus strand). Cytogenetic location: 11p14.3.
Variant type: Duplication.
Coding change: c.407_415dup on transcript NM_022725.4 (MANE Select); coding-DNA positions 407 to 415, 9 bases duplicated (TTGCCCGCC; older notation c.407_415dupTTGCCCGCC).
Protein change: p.Arg138_Arg139insLeuAlaArg.
Molecular consequence: inframe insertion.
Genome position (GRCh38, 1-based): chr11:22,625,396-22,625,404, GGCGGGCAA duplicated on the plus strand (TTGCCCGCC on the coding strand, the reverse complement: FANCF is on the minus strand); duplicating any 9 consecutive bases within chr11:22,625,396-22,625,411 gives the same sequence; the c. name uses the placement nearest the transcript's 3' end. VCF-style (leftmost placement, unchanged base first): chr11-22625395-C-CGGCGGGCAA. GRCh37 (hg19) VCF-style: chr11-22646941-C-CGGCGGGCAA.
Identifiers: ClinVar variation 2704287 (VCV002704287.3), dbSNP rs747620478, ClinGen allele CA5924336.

ClinVar aggregate classification (germline): Uncertain significance (1 of 4 stars; one submission).

Conditions:
Fanconi anemia (FA). Also called: Fanconi's anemia. Identifiers: Orphanet 84, MedGen C0015625, MeSH D005199, MONDO:0019391.

Submission:

Labcorp Genetics (formerly Invitae), Labcorp
Classification: Uncertain significance for Fanconi anemia. Last evaluated: 2023-03-19. Review status: criteria provided, single submitter. Criteria: Invitae Variant Classification Sherloc (09022015). Collection method: clinical testing. Allele origin: germline.
Comment: This variant has not been reported in the literature in individuals affected with FANCF-related conditions. This variant, c.407_415dup, results in the insertion of 3 amino acid(s) of the FANCF protein (p.Leu136_Arg138dup), but otherwise preserves the integrity of the reading frame. This variant is present in population databases (rs747620478, gnomAD 0.01%), including at least one homozygous and/or hemizygous individual. In summary, the available evidence is currently insufficient to determine the role of this variant in disease. Therefore, it has been classified as a Variant of Uncertain Significance.